The following is an entry in ClinVar:

ClinVar aggregate classification (germline): Likely benign (1 of 4 stars; one submission).

Submission:

CeGaT Center for Human Genetics Tuebingen
Classification: Likely benign. Last evaluated: 2026-05-01. Review status: criteria provided, single submitter. Criteria: CeGaT Center For Human Genetics Tuebingen Variant Classification Criteria Version 2. Collection method: clinical testing. Allele origin: germline. Affected: yes. Observed: 2 variant alleles.
Comment: DMBT1: PM2:Supporting, BP4, BP7

NM_001377530.1(DMBT1):c.1494T>C (p.Asn498=)

Gene: DMBT1 (deleted in malignant brain tumors 1; plus strand). Cytogenetic location: 10q26.13.
Variant type: single nucleotide variant.
Coding change: c.1494T>C on transcript NM_001377530.1 (MANE Select); coding-DNA position 1494, T replaced by C.
Protein change: p.Asn498=; no amino-acid change (asparagine 498 retained).
Molecular consequence: synonymous variant. On other transcripts: intron variant (1).
Genome position (GRCh38, 1-based): chr10:122,586,094, T>C. VCF-style: chr10-122586094-T-C. GRCh37 (hg19) VCF-style: chr10-124345610-T-C.
Other names: c.1494T>C, p.Asn498= (NM_001320644.2, NM_007329.3); c.1464T>C, p.Asn488= (NM_017579.3); c.1420+1743T>C (NM_004406.3).
Identifiers: ClinVar variation 2640909 (VCV002640909.24), dbSNP rs2497841985, ClinGen allele CA471745703.